The following is an entry in ClinVar:

ClinVar aggregate classification (germline): Uncertain significance (1 of 4 stars; one submission).

Conditions:
Autosomal recessive limb-girdle muscular dystrophy type 2I. Also called: MUSCULAR DYSTROPHY-DYSTROGLYCANOPATHY, LIMB-GIRDLE, FRKP-RELATED; MUSCULAR DYSTROPHY-DYSTROGLYCANOPATHY (LIMB-GIRDLE), TYPE C, 5; MUSCULAR DYSTROPHY, LIMB-GIRDLE, TYPE 2I. Identifiers: Orphanet 34515, MedGen C1846672, MONDO:0011787, OMIM 607155.

Allele frequency attached by ClinVar (database versions not stated): gnomAD exomes below 0.00001.

Submission:

Diagnostics Services (NGS), CSIR - Centre For Cellular And Molecular Biology
Classification: Uncertain significance for Autosomal recessive limb-girdle muscular dystrophy type 2I. Last evaluated: 2022-07-05. Review status: criteria provided, single submitter. Criteria: ACMG Guidelines, 2015. Collection method: clinical testing. Allele origin: unknown. Affected: yes. Observed: 1 variant allele, 1 heterozygote.
Comment: The c.587G>A variant is not present in publicly available population databases like 1000 Genomes, Exome Variant Server (EVS), Exome Aggregation Consortium (ExAC), Genome Aggregation Database (gnomAD) and Indian Exome Database. The variant is not present in our in-house exome database. The variant was not previously reported to ClinVar, Human Genome Mutation Database (HGMD) and/or OMIM databases, in any affected individuals. In-silico pathogenicity prediction programs like SIFT, PolyPhen-2, MutationTaster2, CADD etc. predicted this variant to be likely deleterious, however these predictions were not confirmed by any published functional studies.

NM_024301.5(FKRP):c.587G>A (p.Gly196Glu)

Gene: FKRP (fukutin related protein; plus strand). Cytogenetic location: 19q13.32.
Variant type: single nucleotide variant.
Coding change: c.587G>A on transcript NM_024301.5 (MANE Select); coding-DNA position 587, G replaced by A.
Protein change: p.Gly196Glu; replaces glycine 196 with glutamic acid.
Molecular consequence: missense variant.
Genome position (GRCh38, 1-based): chr19:46,756,037, G>A. VCF-style: chr19-46756037-G-A. GRCh37 (hg19) VCF-style: chr19-47259294-G-A.
Other names: c.587G>A, p.Gly196Glu (NM_001039885.3); short protein forms G196E.
Identifiers: ClinVar variation 1802201 (VCV001802201.3), dbSNP rs2513989754, ClinGen allele CA406495615.